The following is an entry in ClinVar:

ClinVar aggregate classification (germline): Uncertain significance (1 of 4 stars; one submission).

Conditions:
TTC8-related disorder. Also called: TTC8-related condition.

gnomAD v4.1: 1 of 1,613,332 alleles (0.000062%); highest among the groups gnomAD compares: Non-Finnish European, 0.000085%; no homozygotes.

Submission:

PreventionGenetics, part of Exact Sciences
Classification: Uncertain significance for TTC8-related condition. Last evaluated: 2026-08-19. Review status: criteria provided, single submitter. Criteria: ACMG Guidelines, 2015. Collection method: clinical testing. Allele origin: germline.
Comment: The TTC8 c.229A>G variant is predicted to result in the amino acid substitution p.Met77Val. To our knowledge, this variant has not been reported in the literature or in a large population database (gnomAD), indicating this variant is rare. At this time, the clinical significance of this variant is uncertain due to the absence of conclusive functional and genetic evidence.

NM_144596.4(TTC8):c.229A>G (p.Met77Val)

Gene: TTC8 (tetratricopeptide repeat domain 8; plus strand). Cytogenetic location: 14q31.3.
Variant type: single nucleotide variant.
Coding change: c.229A>G on transcript NM_144596.4 (MANE Select); coding-DNA position 229, A replaced by G.
Protein change: p.Met77Val; replaces methionine 77 with valine.
Molecular consequence: missense variant. On other transcripts: 5 prime UTR variant (2), non-coding transcript variant (1).
Genome position (GRCh38, 1-based): chr14:88,839,536, A>G. VCF-style: chr14-88839536-A-G. GRCh37 (hg19) VCF-style: chr14-89305880-A-G.
Other names: c.199A>G, p.Met67Val (NM_001288781.1, NM_001366535.2, NM_001366536.2 and 2 more transcripts); c.-364A>G (NM_001288782.1); c.-459A>G (NM_001288783.1); short protein forms M67V, M77V.
Identifiers: ClinVar variation 4994071 (VCV004994071.1).